The following is an entry in ClinVar:

ClinVar aggregate classification (germline): Pathogenic. Review status: criteria provided, multiple submitters, no conflicts (2 of 4 stars). 3 submissions from 3 submitters: Pathogenic (3). Last evaluated 2026-01-02.

Conditions:
Hereditary cancer-predisposing syndrome. Also called: Tumor predisposition; Hereditary neoplastic syndrome; Neoplastic Syndromes, Hereditary; Hereditary Cancer Syndrome. Identifiers: Orphanet 140162, MedGen C0027672, MeSH D009386, MONDO:0015356.
Familial cancer of breast. Also called: hereditary breast carcinoma; Hereditary breast cancer; BREAST CANCER, FAMILIAL. Identifiers: Orphanet 227535, MedGen C0346153, MONDO:0016419, OMIM 114480. Disease mechanism: loss of function.

Submissions (3):

Labcorp Genetics (formerly Invitae), Labcorp
Classification: Pathogenic for Familial cancer of breast. Last evaluated: 2026-01-02. Review status: criteria provided, single submitter. Criteria: Invitae Variant Classification Sherloc (09022015). Collection method: clinical testing. Allele origin: germline.
Comment: This sequence change creates a premature translational stop signal (p.Pro449Leufs*20) in the CHEK2 gene. It is expected to result in an absent or disrupted protein product. Loss-of-function variants in CHEK2 are known to be pathogenic (PMID: 21876083, 24713400). This variant is not present in population databases (gnomAD no frequency). This variant has not been reported in the literature in individuals affected with CHEK2-related conditions. ClinVar contains an entry for this variant (Variation ID: 818904). For these reasons, this variant has been classified as Pathogenic.

Ambry Genetics
Classification: Pathogenic for Hereditary cancer-predisposing syndrome. Last evaluated: 2023-09-21. Review status: criteria provided, single submitter. Criteria: Ambry Variant Classification Scheme 2023. Collection method: clinical testing. Allele origin: germline.
Comment: The c.1344delT pathogenic mutation, located in coding exon 11 of the CHEK2 gene, results from a deletion of one nucleotide at nucleotide position 1344, causing a translational frameshift with a predicted alternate stop codon (p.P449Lfs*20). This alteration is expected to result in loss of function by premature protein truncation or nonsense-mediated mRNA decay. As such, this alteration is interpreted as a disease-causing mutation.

Myriad Genetics, Inc.
Classification: Pathogenic for Familial cancer of breast. Last evaluated: 2023-06-28. Review status: criteria provided, single submitter. Criteria: Myriad Autosomal Dominant, Autosomal Recessive and X-Linked Classification Criteria (2023). Collection method: clinical testing. Allele origin: unknown.
Comment: This variant is considered pathogenic. This variant creates a frameshift predicted to result in premature protein truncation.

Literature cited by the submitters: PubMed 21876083 (cited by Labcorp Genetics (formerly Invitae), Labcorp); PubMed 24713400 (cited by Labcorp Genetics (formerly Invitae), Labcorp).

NM_007194.4(CHEK2):c.1344del (p.Pro449fs)

Gene: CHEK2 (checkpoint kinase 2; minus strand). Cytogenetic location: 22q12.1.
Variant type: Deletion.
Coding change: c.1344del on transcript NM_007194.4 (MANE Select); coding-DNA position 1344, one base deleted (T; older notation c.1344delT).
Protein change: p.Pro449fs; shifts the reading frame from proline 449.
Molecular consequence: frameshift variant.
Genome position (GRCh38, 1-based): chr22:28,695,158, A deleted on the plus strand (T on the coding strand, the reverse complement: CHEK2 is on the minus strand); the first of 2 consecutive A bases (chr22:28,695,158-28,695,159); deleting either gives the same sequence. VCF-style (leftmost placement, unchanged base first): chr22-28695157-GA-G. GRCh37 (hg19) VCF-style: chr22-29091145-GA-G.
Other names: c.1472delT, p.Pro492Leufs (NM_001005735.3); c.680delT, p.Pro228Leufs (NM_001257387.3); c.1142delT, p.Pro382Leufs (NM_001349956.3); c.1256delT, p.Pro420Leufs (NM_145862.3); short protein forms P492fs, P228fs, P382fs, P420fs, P449fs.
Identifiers: ClinVar variation 818904 (VCV000818904.15), dbSNP rs1601719328, ClinGen allele CA915952843.
Genomic context (GRCh38, chr22:28,695,157, plus strand): 5'-CACAAATTCTTAACCCTTTCATATTCATACCTTTCTCTGAGACTTCTGCCCAGACTTCAG[GA>G]ATGAAGTTGTATTTTCCACTGGTGATCTGATCCTTCAGTGACACTTGAGTCCTATGCTCA-3'